The following is an entry in ClinVar:

NM_001024630.4(RUNX2):c.685+3A>G

Gene: RUNX2 (RUNX family transcription factor 2; plus strand). Cytogenetic location: 6p21.1.
Variant type: single nucleotide variant.
Coding change: c.685+3A>G on transcript NM_001024630.4 (MANE Select); 3 bases into the intron after coding-DNA position 685, A replaced by G.
Molecular consequence: intron variant.
Genome position (GRCh38, 1-based): chr6:45,438,054, A>G. VCF-style: chr6-45438054-A-G. GRCh37 (hg19) VCF-style: chr6-45405791-A-G.
Other names: c.685+3A>G (NM_001015051.4); c.643+3A>G (NM_001369405.1, NM_001278478.2).
Identifiers: ClinVar variation 3609575 (VCV003609575.2).

ClinVar aggregate classification (germline): Uncertain significance (1 of 4 stars; one submission).

Submission:

Labcorp Genetics (formerly Invitae), Labcorp
Classification: Uncertain significance. Last evaluated: 2025-03-31. Review status: criteria provided, single submitter. Criteria: Invitae Variant Classification Sherloc (09022015). Collection method: clinical testing. Allele origin: germline.
Comment: This sequence change falls in intron 5 of the RUNX2 gene. It does not directly change the encoded amino acid sequence of the RUNX2 protein. It affects a nucleotide within the consensus splice site. This variant is not present in population databases (gnomAD no frequency). This variant has not been reported in the literature in individuals affected with RUNX2-related conditions. Variants that disrupt the consensus splice site are a relatively common cause of aberrant splicing (PMID: 17576681, 9536098). Algorithms developed to predict the effect of sequence changes on RNA splicing suggest that this variant is not likely to affect RNA splicing. In summary, the available evidence is currently insufficient to determine the role of this variant in disease. Therefore, it has been classified as a Variant of Uncertain Significance.

Literature cited by the submitters: PubMed 17576681; PubMed 9536098.